The following is an entry in ClinVar:

NM_007272.3(CTRC):c.578G>A (p.Gly193Asp)

Gene: CTRC (chymotrypsin C; plus strand). Cytogenetic location: 1p36.21.
Variant type: single nucleotide variant.
Coding change: c.578G>A on transcript NM_007272.3 (MANE Select); coding-DNA position 578, G replaced by A.
Protein change: p.Gly193Asp; replaces glycine 193 with aspartic acid.
Molecular consequence: missense variant.
Genome position (GRCh38, 1-based): chr1:15,444,690, G>A. VCF-style: chr1-15444690-G-A. GRCh37 (hg19) VCF-style: chr1-15771185-G-A.
Other names: short protein forms G193D.
Identifiers: ClinVar variation 1749648 (VCV001749648.3), dbSNP rs763493344, ClinGen allele CA613389.

ClinVar aggregate classification (germline): Uncertain significance (1 of 4 stars; one submission).

Conditions:
Hereditary pancreatitis (PCTT). Also called: Hereditary chronic pancreatitis; PRSS1-Related Hereditary Pancreatitis. Identifiers: Orphanet 676, MedGen C0238339, MONDO:0008185, OMIM 167800.

Submission:

Ambry Genetics
Classification: Uncertain significance for Hereditary pancreatitis. Last evaluated: 2024-05-17. Review status: criteria provided, single submitter. Criteria: Ambry Variant Classification Scheme 2023. Collection method: clinical testing. Allele origin: germline.
Comment: The p.G193D variant (also known as c.578G>A), located in coding exon 6 of the CTRC gene, results from a G to A substitution at nucleotide position 578. The glycine at codon 193 is replaced by aspartic acid, an amino acid with similar properties. This amino acid position is conserved. In addition, the in silico prediction for this alteration is inconclusive. Since supporting evidence is limited at this time, the clinical significance of this alteration remains unclear.